The following is an entry in ClinVar:

NM_024426.6(WT1):c.475G>A (p.Glu159Lys)

Genes: WT1 (WT1 transcription factor; minus strand), LOC107982234 (WT1/WT1-AS bi-directional promoter region; plus strand). Cytogenetic location: 11p13.
Variant type: single nucleotide variant.
Coding change: c.475G>A on transcript NM_024426.6 (MANE Select); coding-DNA position 475, G replaced by A.
Protein change: p.Glu159Lys; replaces glutamic acid 159 with lysine.
Molecular consequence: missense variant. On other transcripts: non-coding transcript variant (1).
Genome position (GRCh38, 1-based): chr11:32,434,886, C>T on the plus strand (G>A on the coding strand, the complement: WT1 is on the minus strand). VCF-style: chr11-32434886-C-T. GRCh37 (hg19) VCF-style: chr11-32456432-C-T.
Other names: c.475G>A, p.Glu159Lys (NM_000378.6, NM_024424.5); short protein forms E159K.
Identifiers: ClinVar variation 476706 (VCV000476706.16), dbSNP rs768165877, ClinGen allele CA064967.
Genomic context (GRCh38, chr11:32,434,886, plus strand): 5'-CTCCGGCTGTGCCAGTGAACTGGCCGGAAAAGTGGACAGTGAAGGCGCTCAGGCACTGCT[C>T]CTCGTGCGGCTCCGCGCCGCCCCAGCTCGGCTCCTGTTTGATGAAGGAGTGAGGCGGCGG-3'
Protein context (NP_077744.4, residues 149-169): PSWGGAEPHE[Glu159Lys]QCLSAFTVHF

ClinVar aggregate classification (germline): Uncertain significance. Review status: criteria provided, multiple submitters, no conflicts (2 of 4 stars). 6 submissions from 6 submitters: Uncertain significance (6). Last evaluated 2025-10-21.

Conditions:
Wilms tumor 1 (WT1). Also called: Wilms tumor, somatic. Identifiers: Orphanet 654, MedGen CN033288, MONDO:0008679, OMIM 194070.
Drash syndrome (DDS). Also called: NEPHROPATHY, WILMS TUMOR, AND GENITAL ANOMALIES; WILMS TUMOR AND PSEUDO- OR TRUE HERMAPHRODITISM. Identifiers: Orphanet 220, MedGen C0950121, MONDO:0008682, OMIM 194080.
11p partial monosomy syndrome (WAGR). Also called: WAGR Spectrum Disorder; CHROMOSOME 11p13 DELETION SYNDROME; WAGR syndrome; WAGR Complex. Identifiers: Orphanet 893, MedGen C0206115, MONDO:0008681, OMIM 194072.
Frasier syndrome. Identifiers: Orphanet 347, MedGen C0950122, MeSH D052159, MONDO:0007635, OMIM 136680.
Inborn genetic diseases. Identifiers: MedGen C0950123, MeSH D030342.

Allele frequency attached by ClinVar (database versions not stated): TOPMed 0.00001; ExAC 0.00003; gnomAD 0.00003; gnomAD exomes 0.00003.
gnomAD v4.1: 42 of 1,612,078 alleles (0.0026%); highest among the groups gnomAD compares: Admixed American, 0.005%; no homozygotes.

Submissions (6):

Labcorp Genetics (formerly Invitae), Labcorp
Classification: Uncertain significance for Wilms tumor 1; Drash syndrome; 11p partial monosomy syndrome; Frasier syndrome. Last evaluated: 2025-10-21. Review status: criteria provided, single submitter. Criteria: Invitae Variant Classification Sherloc (09022015). Collection method: clinical testing. Allele origin: germline.
Comment: This sequence change replaces glutamic acid, which is acidic and polar, with lysine, which is basic and polar, at codon 154 of the WT1 protein (p.Glu154Lys). This variant is present in population databases (rs768165877, gnomAD 0.01%). This variant has not been reported in the literature in individuals affected with WT1-related conditions. ClinVar contains an entry for this variant (Variation ID: 476706). Invitae Evidence Modeling of protein sequence and biophysical properties (such as structural, functional, and spatial information, amino acid conservation, physicochemical variation, residue mobility, and thermodynamic stability) indicates that this missense variant is not expected to disrupt WT1 protein function with a negative predictive value of 95%. In summary, the available evidence is currently insufficient to determine the role of this variant in disease. Therefore, it has been classified as a Variant of Uncertain Significance.

Ambry Genetics
Classification: Uncertain significance for Inborn genetic diseases. Last evaluated: 2025-01-09. Review status: criteria provided, single submitter. Criteria: Ambry Variant Classification Scheme 2023. Collection method: clinical testing. Allele origin: germline.
Comment: The p.E154K variant (also known as c.460G>A), located in coding exon 1 of the WT1 gene, results from a G to A substitution at nucleotide position 460. The glutamic acid at codon 154 is replaced by lysine, an amino acid with similar properties. This amino acid position is not well conserved in available vertebrate species. In addition, this alteration is predicted to be tolerated by in silico analysis. Based on the available evidence, the clinical significance of this variant remains unclear.

St. Jude Molecular Pathology, St. Jude Children's Research Hospital
Classification: Uncertain significance for Wilms tumor 1. Last evaluated: 2024-04-11. Review status: criteria provided, single submitter. Criteria: St. Jude Assertion Criteria 2020. Collection method: clinical testing. Allele origin: germline.
Comment: The WT1 c.475G>A (p.Glu159Lys) missense change has a maximum subpopulation frequency of 0.0057% gnomAD v2.1.1. The in silico tool REVEL is inconclusive about a pathogenic or benign effect of this variant on protein function, and functional studies have not been performed. This variant has not been reported in individuals with WT1-related conditions. In summary, the evidence currently available is insufficient to determine the clinical significance of this variant. It has therefore been classified as of uncertain significance.

Baylor Genetics
Classification: Uncertain significance for Drash syndrome. Last evaluated: 2023-12-27. Review status: criteria provided, single submitter. Criteria: ACMG Guidelines, 2015. Collection method: clinical testing. Allele origin: unknown.

All of Us Research Program, National Institutes of Health
Classification: Uncertain significance for Wilms tumor 1. Last evaluated: 2023-12-13. Review status: criteria provided, single submitter. Criteria: ACMG Guidelines, 2015. Collection method: clinical testing. Allele origin: germline. Inheritance: Autosomal dominant inheritance. Observed: 10 variant alleles, 10 heterozygotes.
Comment: This missense variant replaces glutamic acid with lysine at codon 154 in the WT1 protein. Computational prediction suggests that this variant may not impact protein structure and function (internally defined REVEL score threshold <= 0.5, PMID: 27666373). To our knowledge, functional studies have not been reported for this variant. This variant has not been reported in individuals affected with hereditary cancer in the literature. This variant has been identified in 9/272876 chromosomes in the general population by the Genome Aggregation Database (gnomAD). The available evidence is insufficient to determine the role of this variant in disease conclusively. Therefore, this variant is classified as a Variant of Uncertain Significance.

This study involves interpretation of variants in research participants for the purpose of population health screening. Participant phenotype was not available at the time of variant classification. Additional details can be found in publication PMID: 35346344, PMCID: PMC8962531

GeneDx
Classification: Uncertain significance. Last evaluated: 2023-11-29. Review status: criteria provided, single submitter. Criteria: GeneDx Variant Classification Process June 2021. Collection method: clinical testing. Allele origin: germline. Affected: yes.
Comment: In silico analysis supports that this missense variant does not alter protein structure/function; Observed in a pediatric patient with myelodysplastic syndrome (PMID: 29146900); This variant is associated with the following publications: (PMID: 8486616, 29146900)